The following is an entry in ClinVar:

ClinVar aggregate classification (germline): Uncertain significance (1 of 4 stars; one submission).

Conditions:
Autosomal recessive limb-girdle muscular dystrophy type 2Y (MRRSDC). Also called: Muscular dystrophy, autosomal recessive, with rigid spine and distal joint contractures; Muscular dystrophy, limb-girdle, type 2y. Identifiers: Orphanet 424261, MedGen C4511482, MONDO:0014900, OMIM 617072.

Submission:

Labcorp Genetics (formerly Invitae), Labcorp
Classification: Uncertain significance for Autosomal recessive limb-girdle muscular dystrophy type 2Y. Last evaluated: 2025-08-18. Review status: criteria provided, single submitter. Criteria: Invitae Variant Classification Sherloc (09022015). Collection method: clinical testing. Allele origin: germline.
Comment: This sequence change replaces proline, which is neutral and non-polar, with leucine, which is neutral and non-polar, at codon 21 of the TOR1AIP1 protein (p.Pro21Leu). This variant is not present in population databases (gnomAD no frequency). This variant has not been reported in the literature in individuals affected with TOR1AIP1-related conditions. ClinVar contains an entry for this variant (Variation ID: 1505311). An algorithm developed to predict the effect of missense changes on protein structure and function (PolyPhen-2) suggests that this variant is likely to be disruptive. In summary, the available evidence is currently insufficient to determine the role of this variant in disease. Therefore, it has been classified as a Variant of Uncertain Significance.

NM_015602.4(TOR1AIP1):c.62C>T (p.Pro21Leu)

Genes: TOR1AIP1 (torsin 1A interacting protein 1; plus strand), LOC112577517 (Sharpr-MPRA regulatory region 13766; plus strand). Cytogenetic location: 1q25.2.
Variant type: single nucleotide variant.
Coding change: c.62C>T on transcript NM_015602.4 (MANE Select); coding-DNA position 62, C replaced by T.
Protein change: p.Pro21Leu; replaces proline 21 with leucine.
Molecular consequence: missense variant.
Genome position (GRCh38, 1-based): chr1:179,882,564, C>T. VCF-style: chr1-179882564-C-T. GRCh37 (hg19) VCF-style: chr1-179851699-C-T.
Other names: c.62C>T, p.Pro21Leu (NM_001267578.2); short protein forms P21L.
Identifiers: ClinVar variation 1505311 (VCV001505311.8), dbSNP rs774997818, ClinGen allele CA343577574.